The following is an entry in ClinVar:

NM_144499.3(GNAT1):c.470G>T (p.Arg157Leu)

Gene: GNAT1 (G protein subunit alpha transducin 1; plus strand). Cytogenetic location: 3p21.31.
Variant type: single nucleotide variant.
Coding change: c.470G>T on transcript NM_144499.3 (MANE Select); coding-DNA position 470, G replaced by T.
Protein change: p.Arg157Leu; replaces arginine 157 with leucine.
Molecular consequence: missense variant.
Genome position (GRCh38, 1-based): chr3:50,193,773, G>T. VCF-style: chr3-50193773-G-T. GRCh37 (hg19) VCF-style: chr3-50231206-G-T.
Other names: c.470G>T, p.Arg157Leu (NM_000172.4); c.470G>T (NM_144499.2); short protein forms R157L.
Identifiers: ClinVar variation 5021014 (VCV005021014.2).

ClinVar aggregate classification (germline): Uncertain significance. Review status: criteria provided, multiple submitters, no conflicts (2 of 4 stars). 2 submissions from 2 submitters: Uncertain significance (2). Last evaluated 2026-06-29.

Conditions:
Inborn genetic diseases. Identifiers: MedGen C0950123, MeSH D030342.

Submissions (2):

Ambry Genetics
Classification: Uncertain significance for Inborn genetic diseases. Last evaluated: 2026-06-29. Review status: criteria provided, single submitter. Criteria: Ambry Variant Classification Scheme 2023. Collection method: clinical testing. Allele origin: germline.

Dasa
Classification: Uncertain significance. Last evaluated: 2025-01-17. Review status: criteria provided, single submitter. Criteria: DASA Assertion Criteria. Collection method: clinical testing. Allele origin: germline.
Comment: NM_144499.3(GNAT1):c.470G>T (p.Arg157Leu) is a missense variant that results in the substitution of arginine with leucine. This variant is rare in population databases. Computational prediction algorithms are consistent with a deleterious effect. The currently available literature and clinical evidence are not sufficient to establish a definitive association between this variant and the reported condition. Therefore, this variant is classified as a variant of uncertain significance.